The following is an entry in ClinVar:

NM_001365276.2(TNXB):c.8974C>T (p.Arg2992Trp)

Gene: TNXB (tenascin XB; minus strand). Cytogenetic location: 6p21.33.
Variant type: single nucleotide variant.
Coding change: c.8974C>T on transcript NM_001365276.2 (MANE Select); coding-DNA position 8974, C replaced by T.
Protein change: p.Arg2992Trp; replaces arginine 2992 with tryptophan.
Molecular consequence: missense variant.
Genome position (GRCh38, 1-based): chr6:32,052,811, G>A on the plus strand (C>T on the coding strand, the complement: TNXB is on the minus strand). VCF-style: chr6-32052811-G-A. GRCh37 (hg19) VCF-style: chr6-32020588-G-A.
Other names: c.8968C>T, p.Arg2990Trp (NM_019105.8); short protein forms R2990W, R2992W.
Identifiers: ClinVar variation 1765269 (VCV001765269.3), dbSNP rs760257516, ClinGen allele CA136902840.

ClinVar aggregate classification (germline): Uncertain significance (1 of 4 stars; one submission).

Conditions:
Cardiovascular phenotype. Identifiers: MedGen CN230736.

Allele frequency attached by ClinVar (database versions not stated): gnomAD exomes 0.00001; TOPMed 0.00001.
gnomAD v4.1: 13 of 1,613,584 alleles (0.00081%); highest among the groups gnomAD compares: African/African-American, 0.011%; no homozygotes.

Submission:

Ambry Genetics
Classification: Uncertain significance for Cardiovascular phenotype. Last evaluated: 2025-05-27. Review status: criteria provided, single submitter. Criteria: Ambry Variant Classification Scheme 2023. Collection method: clinical testing. Allele origin: germline.
Comment: The p.R2990W variant (also known as c.8968C>T), located in coding exon 25 of the TNXB gene, results from a C to T substitution at nucleotide position 8968. The arginine at codon 2990 is replaced by tryptophan, an amino acid with dissimilar properties. This amino acid position is conserved. In addition, this alteration is predicted to be tolerated by in silico analysis. Since supporting evidence is limited at this time, the clinical significance of this alteration remains unclear.